The following is an entry in ClinVar:

ClinVar aggregate classification (germline): Uncertain significance (1 of 4 stars; one submission).

Allele frequency attached by ClinVar (database versions not stated): gnomAD exomes below 0.00001.
gnomAD v4.1: 2 of 1,583,122 alleles (0.00013%); highest among the groups gnomAD compares: South Asian, 0.0012%; no homozygotes.

Submission:

Labcorp Genetics (formerly Invitae), Labcorp
Classification: Uncertain significance. Last evaluated: 2022-08-19. Review status: criteria provided, single submitter. Criteria: Invitae Variant Classification Sherloc (09022015). Collection method: clinical testing. Allele origin: germline.
Comment: This variant has not been reported in the literature in individuals affected with ALDH3A2-related conditions. The frequency data for this variant in the population databases is considered unreliable, as metrics indicate poor data quality at this position in the gnomAD database. This sequence change replaces arginine, which is basic and polar, with glutamine, which is neutral and polar, at codon 21 of the ALDH3A2 protein (p.Arg21Gln). Advanced modeling of protein sequence and biophysical properties (such as structural, functional, and spatial information, amino acid conservation, physicochemical variation, residue mobility, and thermodynamic stability) performed at Invitae indicates that this missense variant is not expected to disrupt ALDH3A2 protein function. In summary, the available evidence is currently insufficient to determine the role of this variant in disease. Therefore, it has been classified as a Variant of Uncertain Significance. Algorithms developed to predict the effect of sequence changes on RNA splicing suggest that this variant may create or strengthen a splice site.

NM_000382.3(ALDH3A2):c.62G>A (p.Arg21Gln)

Gene: ALDH3A2 (aldehyde dehydrogenase 3 family member A2; plus strand). Cytogenetic location: 17p11.2.
Variant type: single nucleotide variant.
Coding change: c.62G>A on transcript NM_000382.3 (MANE Select); coding-DNA position 62, G replaced by A.
Protein change: p.Arg21Gln; replaces arginine 21 with glutamine.
Molecular consequence: missense variant. On other transcripts: 5 prime UTR variant (1).
Genome position (GRCh38, 1-based): chr17:19,649,033, G>A. VCF-style: chr17-19649033-G-A. GRCh37 (hg19) VCF-style: chr17-19552346-G-A.
Other names: c.62G>A, p.Arg21Gln (NM_001031806.2, NM_001369136.1, NM_001369137.2 and 3 more transcripts); c.-627G>A (NM_001369148.2); short protein forms R21Q.
Identifiers: ClinVar variation 2181227 (VCV002181227.4), dbSNP rs1291817576, ClinGen allele CA398700618.